The following is an entry in ClinVar:

NM_005070.4(SLC4A3):c.3411G>A (p.Pro1137=)

Gene: SLC4A3 (solute carrier family 4 member 3; plus strand). Cytogenetic location: 2q35.
Variant type: single nucleotide variant.
Coding change: c.3411G>A on transcript NM_005070.4 (MANE Select); coding-DNA position 3411, G replaced by A.
Protein change: p.Pro1137=; no amino-acid change (proline 1137 retained).
Molecular consequence: synonymous variant. On other transcripts: non-coding transcript variant (1).
Genome position (GRCh38, 1-based): chr2:219,640,563, G>A. VCF-style: chr2-219640563-G-A. GRCh37 (hg19) VCF-style: chr2-220505285-G-A.
Other names: p.Pro1164=; c.3492G>A, p.Pro1164= (NM_001326559.2, NM_201574.3); c.3411G>A, p.Pro1137= (NM_001438863.1); c.2817G>A, p.Pro939= (NM_001438864.1).
Identifiers: ClinVar variation 4684656 (VCV004684656.1).

ClinVar aggregate classification (germline): Likely benign (1 of 4 stars; one submission).

gnomAD v4.1: 1,659 of 1,614,124 alleles (0.1%); highest among the groups gnomAD compares: Non-Finnish European, 0.048%; 13 homozygotes.

Submission:

Mayo Clinic Laboratories, Mayo Clinic
Classification: Likely benign. Last evaluated: 2025-04-08. Review status: criteria provided, single submitter. Criteria: ACMG Guidelines, 2015. Collection method: clinical testing. Allele origin: germline. Observed: 2 variant alleles.
Comment: BS1, BP4, BP7